The following is an entry in ClinVar:

NM_017680.6(ASPN):c.378A>T (p.Ser126=)

Genes: ASPN (asporin; minus strand), CENPP (centromere protein P; plus strand). Cytogenetic location: 9q22.31.
Variant type: single nucleotide variant.
Coding change: c.378A>T on transcript NM_017680.6 (MANE Select); coding-DNA position 378, A replaced by T.
Protein change: p.Ser126=; no amino-acid change (serine 126 retained).
Molecular consequence: synonymous variant. On other transcripts: intron variant (2).
Genome position (GRCh38, 1-based): chr9:92,470,675, T>A on the plus strand (A>T on the coding strand, the complement: ASPN is on the minus strand). VCF-style: chr9-92470675-T-A. GRCh37 (hg19) VCF-style: chr9-95232957-T-A.
Other names: c.378A>T, p.Ser126= (NM_001193335.3); c.228+90816T>A (NM_001286969.1); c.564+90816T>A (NM_001012267.3).
Identifiers: ClinVar variation 3051497 (VCV003051497.2), dbSNP rs144079283, ClinGen allele CA5124836.

ClinVar aggregate classification (germline): Likely benign (0 of 4 stars; one submission).

Conditions:
ASPN-related disorder. Also called: ASPN-related condition.

Allele frequency attached by ClinVar (database versions not stated): ESP Exome Variant Server 0.00008; gnomAD 0.00036; 1000 Genomes Project 0.00040; TOPMed 0.00043; gnomAD exomes 0.00046; 1000 Genomes Project 30x 0.00047; ExAC 0.00083.
gnomAD v4.1: 651 of 1,476,116 alleles (0.044%); highest among the groups gnomAD compares: East Asian, 0.84%; 2 homozygotes.

Submission:

PreventionGenetics, part of Exact Sciences
Classification: Likely benign for ASPN-related condition. Last evaluated: 2020-09-02. Review status: no assertion criteria provided. Collection method: clinical testing. Allele origin: germline.
Comment: This variant is classified as likely benign based on ACMG/AMP sequence variant interpretation guidelines (Richards et al. 2015 PMID: 25741868, with internal and published modifications).